The following is an entry in ClinVar:

ClinVar aggregate classification (germline): Uncertain significance. Review status: criteria provided, multiple submitters, no conflicts (2 of 4 stars). 2 submissions from 2 submitters: Uncertain significance (2). Last evaluated 2025-02-13.

Conditions:
Combined oxidative phosphorylation defect type 17. Also called: Combined oxidative phosphorylation deficiency 17. Identifiers: Orphanet 369913, MedGen C3809526, MONDO:0014190, OMIM 615440.
Inborn genetic diseases. Identifiers: MedGen C0950123, MeSH D030342.

Allele frequency attached by ClinVar (database versions not stated): gnomAD 0.00001; TOPMed 0.00001; ExAC 0.00002; gnomAD exomes 0.00002 and 0.00005; ESP Exome Variant Server 0.00008; 1000 Genomes Project 30x 0.00016; 1000 Genomes Project 0.00020.
gnomAD v4.1: 77 of 1,614,120 alleles (0.0048%); highest among the groups gnomAD compares: Non-Finnish European, 0.0063%; no homozygotes.

Submissions (2):

Ambry Genetics
Classification: Uncertain significance for Inborn genetic diseases. Last evaluated: 2025-02-13. Review status: criteria provided, single submitter. Criteria: Ambry Variant Classification Scheme 2023. Collection method: clinical testing. Allele origin: germline.

Labcorp Genetics (formerly Invitae), Labcorp
Classification: Uncertain significance for Combined oxidative phosphorylation defect type 17. Last evaluated: 2022-05-22. Review status: criteria provided, single submitter. Criteria: Invitae Variant Classification Sherloc (09022015). Collection method: clinical testing. Allele origin: germline.
Comment: This variant is present in population databases (rs139453392, gnomAD 0.007%). This sequence change replaces proline, which is neutral and non-polar, with leucine, which is neutral and non-polar, at codon 171 of the ELAC2 protein (p.Pro171Leu). This variant has not been reported in the literature in individuals affected with ELAC2-related conditions. ClinVar contains an entry for this variant (Variation ID: 581028). Algorithms developed to predict the effect of missense changes on protein structure and function are either unavailable or do not agree on the potential impact of this missense change (SIFT: "Tolerated"; PolyPhen-2: "Possibly Damaging"; Align-GVGD: "Class C0"). In summary, the available evidence is currently insufficient to determine the role of this variant in disease. Therefore, it has been classified as a Variant of Uncertain Significance.

NM_018127.7(ELAC2):c.512C>T (p.Pro171Leu)

Gene: ELAC2 (elaC ribonuclease Z 2; minus strand). Cytogenetic location: 17p12.
Variant type: single nucleotide variant.
Coding change: c.512C>T on transcript NM_018127.7 (MANE Select); coding-DNA position 512, C replaced by T.
Protein change: p.Pro171Leu; replaces proline 171 with leucine.
Molecular consequence: missense variant.
Genome position (GRCh38, 1-based): chr17:13,013,254, G>A on the plus strand (C>T on the coding strand, the complement: ELAC2 is on the minus strand). VCF-style: chr17-13013254-G-A. GRCh37 (hg19) VCF-style: chr17-12916571-G-A.
Other names: c.512C>T, p.Pro171Leu (NM_001165962.2, NM_173717.2); short protein forms P171L.
Identifiers: ClinVar variation 581028 (VCV000581028.8), dbSNP rs139453392, ClinGen allele CA8401615.